The following is an entry in ClinVar:

ClinVar aggregate classification (germline): Pathogenic (1 of 4 stars; one submission).

Conditions:
Nephronophthisis. Also called: Juvenile Nephronophthisis. Identifiers: Orphanet 655, MedGen C0687120, MONDO:0019005, HP:0000090.

Submission:

Labcorp Genetics (formerly Invitae), Labcorp
Classification: Pathogenic for Nephronophthisis. Last evaluated: 2024-02-22. Review status: criteria provided, single submitter. Criteria: Invitae Variant Classification Sherloc (09022015). Collection method: clinical testing. Allele origin: germline.
Comment: This sequence change creates a premature translational stop signal (p.Asp400Metfs*12) in the NPHP3 gene. It is expected to result in an absent or disrupted protein product. Loss-of-function variants in NPHP3 are known to be pathogenic (PMID: 18371931, 23559409). This variant is not present in population databases (gnomAD no frequency). This variant has not been reported in the literature in individuals affected with NPHP3-related conditions. Algorithms developed to predict the effect of sequence changes on RNA splicing suggest that this variant may disrupt the consensus splice site. For these reasons, this variant has been classified as Pathogenic.

Literature cited by the submitters: PubMed 18371931; PubMed 23559409.

NM_153240.5(NPHP3):c.1197del (p.Asp400fs)

Genes: NPHP3 (nephrocystin 3; minus strand), NPHP3-ACAD11 (NPHP3-ACAD11 readthrough (NMD candidate); minus strand). Cytogenetic location: 3q22.1.
Variant type: Deletion.
Coding change: c.1197del on transcript NM_153240.5 (MANE Select); coding-DNA position 1197, one base deleted (A; older notation c.1197delA).
Protein change: p.Asp400fs; shifts the reading frame from aspartic acid 400.
Molecular consequence: frameshift variant. On other transcripts: non-coding transcript variant (1).
Genome position (GRCh38, 1-based): chr3:132,708,179, T deleted on the plus strand (A on the coding strand, the reverse complement: NPHP3 is on the minus strand); the first of 2 consecutive T bases (chr3:132,708,179-132,708,180); deleting either gives the same sequence. VCF-style (leftmost placement, unchanged base first): chr3-132708178-CT-C. GRCh37 (hg19) VCF-style: chr3-132427022-CT-C.
Other names: short protein forms D400fs.
Identifiers: ClinVar variation 3642578 (VCV003642578.2).